The following is an entry in ClinVar:

ClinVar aggregate classification (germline): Likely benign (0 of 4 stars; one submission).

Conditions:
GLI2-related disorder. Also called: GLI2-related disorders; GLI2-related condition.

Allele frequency attached by ClinVar (database versions not stated): TOPMed 0.00002; gnomAD 0.00003; 1000 Genomes Project 30x 0.00031.

Submission:

PreventionGenetics, part of Exact Sciences
Classification: Likely benign for GLI2-related condition. Last evaluated: 2021-09-17. Review status: no assertion criteria provided. Collection method: clinical testing. Allele origin: germline.
Comment: This variant is classified as likely benign based on ACMG/AMP sequence variant interpretation guidelines (Richards et al. 2015 PMID: 25741868, with internal and published modifications).

NM_001374353.1(GLI2):c.2406G>T (p.Val802=)

Gene: GLI2 (GLI family zinc finger 2; plus strand). Cytogenetic location: 2q14.2.
Variant type: single nucleotide variant.
Coding change: c.2406G>T on transcript NM_001374353.1 (MANE Select); coding-DNA position 2406, G replaced by T.
Protein change: p.Val802=; no amino-acid change (valine 802 retained).
Molecular consequence: synonymous variant.
Genome position (GRCh38, 1-based): chr2:120,988,371, G>T. VCF-style: chr2-120988371-G-T. GRCh37 (hg19) VCF-style: chr2-121745947-G-T.
Other names: c.2457G>T, p.Val819= (NM_001371271.1, NM_005270.5); c.2031G>T, p.Val677= (NM_001374354.1).
Identifiers: ClinVar variation 3031235 (VCV003031235.2), dbSNP rs753050055, ClinGen allele CA1852226.
Genomic context (GRCh38, chr2:120,988,371, plus strand): 5'-GAGCCAGCTGCAGGAGCGCCGCGACAGCTCCACCAGCACGGTCAGCTCGGCCTACACCGT[G>T]AGCCGCCGCTCCTCCGGCATCTCCCCCTACTTCTCCAGCCGCCGCTCCAGCGAGGCCTCG-3'
Protein context (NP_001361282.1, residues 792-812): STSTVSSAYT[Val802=]SRRSSGISPY